The following is an entry in ClinVar:

NM_002161.6(IARS1):c.2422C>G (p.Arg808Gly)

Gene: IARS1 (isoleucyl-tRNA synthetase 1; minus strand). Cytogenetic location: 9q22.31.
Variant type: single nucleotide variant.
Coding change: c.2422C>G on transcript NM_002161.6 (MANE Select); coding-DNA position 2422, C replaced by G.
Protein change: p.Arg808Gly; replaces arginine 808 with glycine.
Molecular consequence: missense variant. On other transcripts: non-coding transcript variant (1).
Genome position (GRCh38, 1-based): chr9:92,250,720, G>C on the plus strand (C>G on the coding strand, the complement: IARS1 is on the minus strand). VCF-style: chr9-92250720-G-C. GRCh37 (hg19) VCF-style: chr9-95013002-G-C.
Other names: c.2347C>G, p.Arg783Gly (NM_001374299.1, NM_001374300.1, NM_001378584.1); c.2338C>G, p.Arg780Gly (NM_001374301.1); c.2485C>G, p.Arg829Gly (NM_001378569.1); c.2443C>G, p.Arg815Gly (NM_001378571.1); c.2422C>G, p.Arg808Gly (NM_001378572.1, NM_001378573.1, NM_001378574.1 and 9 more transcripts); c.2326C>G, p.Arg776Gly (NM_001378582.1); c.2299C>G, p.Arg767Gly (NM_001378583.1); c.2422C>G (NM_013417.2); short protein forms R780G, R767G, R776G, R815G, R829G, R783G, R808G.
Identifiers: ClinVar variation 1915697 (VCV001915697.7), dbSNP rs750608005, ClinGen allele CA5122226.
Genomic context (GRCh38, chr9:92,250,720, plus strand): 5'-AGCAACTCTCCCCTCCTTGGCACAGGTGAGGCTTATTTCTATTTGAGTCCTACCGAACAC[G>C]GGGCAGCATGAGGTAGTGAATGCTGAGTGTGTCCTTGTCCTGAACAGAAACAGGGTCAAT-3'
Protein context (NP_002152.2, residues 798-818): TLSIHYLMLP[Arg808Gly]VREELIDKKT

ClinVar aggregate classification (germline): Uncertain significance. Review status: criteria provided, multiple submitters, no conflicts (2 of 4 stars). 3 submissions from 3 submitters: Uncertain significance (3). Last evaluated 2025-04-21.

Conditions:
Growth retardation, intellectual developmental disorder, hypotonia, and hepatopathy (GRIDHH). Also called: GROWTH RETARDATION, IMPAIRED INTELLECTUAL DEVELOPMENT, HYPOTONIA, AND HEPATOPATHY. Identifiers: Orphanet 541423, MedGen C4310720, MONDO:0014911, OMIM 617093.

gnomAD v4.1: 34 of 1,607,188 alleles (0.0021%); highest among the groups gnomAD compares: South Asian, 0.02%; no homozygotes.

Submissions (3):

Labcorp Genetics (formerly Invitae), Labcorp
Classification: Uncertain significance. Last evaluated: 2025-04-21. Review status: criteria provided, single submitter. Criteria: Invitae Variant Classification Sherloc (09022015). Collection method: clinical testing. Allele origin: germline.
Comment: This sequence change replaces arginine, which is basic and polar, with glycine, which is neutral and non-polar, at codon 808 of the IARS protein (p.Arg808Gly). This variant is present in population databases (rs750608005, gnomAD 0.03%). This variant has not been reported in the literature in individuals affected with IARS-related conditions. ClinVar contains an entry for this variant (Variation ID: 1915697). An algorithm developed to predict the effect of missense changes on protein structure and function (PolyPhen-2) suggests that this variant is likely to be tolerated. In summary, the available evidence is currently insufficient to determine the role of this variant in disease. Therefore, it has been classified as a Variant of Uncertain Significance.

Ambry Genetics
Classification: Uncertain significance. Last evaluated: 2023-03-29. Review status: criteria provided, single submitter. Criteria: Ambry Variant Classification Scheme 2023. Collection method: clinical testing. Allele origin: germline.

Neuberg Centre For Genomic Medicine, NCGM
Classification: Uncertain significance for Growth retardation, intellectual developmental disorder, hypotonia, and hepatopathy. Review status: criteria provided, single submitter. Criteria: ACMG Guidelines, 2015. Collection method: clinical testing. Allele origin: germline. Inheritance: Autosomal recessive inheritance. Affected: yes.
Comment: The missense variant in c.2422C>G (p.R808G) in IARS1 gene has not been reported previously as a pathogenic variant nor as a benign variant, to our knowledge. The p.R808G variant is observed in 9/29,438 (0.0306%) alleles from individuals of South Asian background in gnomAD Exomes and is novel (not in any individuals) in 1000 Genomes. The amino acid Arg at position 808 is changed to a Gly changing protein sequence and it might alter its composition and physico-chemical properties. For these reasons, this variant has been classified as Uncertain Significance (VUS).